The following is an entry in ClinVar:

NM_004646.4(NPHS1):c.3006_3012del (p.Gln1004fs)

Gene: NPHS1 (NPHS1 adhesion molecule, nephrin; minus strand). Cytogenetic location: 19q13.12.
Variant type: Deletion.
Coding change: c.3006_3012del on transcript NM_004646.4 (MANE Select); coding-DNA positions 3006 to 3012, 7 bases deleted (TCTACAG; older notation c.3006_3012delTCTACAG).
Protein change: p.Gln1004fs; shifts the reading frame from glutamine 1004.
Molecular consequence: frameshift variant.
Genome position (GRCh38, 1-based): chr19:35,839,334-35,839,340, CTGTAGA deleted on the plus strand (TCTACAG on the coding strand, the reverse complement: NPHS1 is on the minus strand); deleting any 7 consecutive bases within chr19:35,839,334-35,839,341 gives the same sequence; the c. name uses the placement nearest the transcript's 3' end. VCF-style (leftmost placement, unchanged base first): chr19-35839333-GCTGTAGA-G. GRCh37 (hg19) VCF-style: chr19-36330235-GCTGTAGA-G.
Other names: c.3006_3012del7 (NM_004646.3); short protein forms Q1004fs.
Identifiers: ClinVar variation 371659 (VCV000371659.4), dbSNP rs748819031, ClinGen allele CA9389949.

ClinVar aggregate classification (germline): Likely pathogenic. Review status: criteria provided, single submitter (1 of 4 stars). 2 submissions from 2 submitters: Likely pathogenic (1). 1 of the submissions does not count toward it.

Conditions:
Finnish congenital nephrotic syndrome (NPHS1). Also called: NEPHROTIC SYNDROME, TYPE 1. Identifiers: Orphanet 839, MedGen C0403399, MONDO:0009732, OMIM 256300.

Submissions (2):

Neuberg Centre For Genomic Medicine, NCGM
Classification: Likely pathogenic for Finnish congenital nephrotic syndrome. Review status: criteria provided, single submitter. Criteria: ACMG Guidelines, 2015. Collection method: clinical testing. Allele origin: germline. Inheritance: Autosomal recessive inheritance. Affected: yes.
Comment: The frameshift variant c.3006_3012delp.Gln1004LeufsTer137 in NPHS1 gene has not been reported previously as a pathogenic variant nor as a benign variant, to our knowledge. The variant is reported with 0.0004% allele frequency in gnomAD Exomes and is novel not in any individuals in 1000 Genomes. This variant causes a frameshift starting with codon Glutamine 1004, changes this amino acid to Leucine residue, and creates a premature Stop codon at position 137 of the new reading frame, denoted p.Gln1004LeufsTer137. This variant has been reported to the ClinVar database as Likely Pathogenic This variant is predicted to cause loss of normal protein function through protein truncation. Loss of function variants have been previously reported to be disease causing Schoeb DS, et al., 2010. For these reasons, this variant has been classified as Likely Pathogenic. In the absence of another reportable variant, the molecular diagnosis is not confirmed.

Counsyl
Classification: Likely pathogenic for Finnish congenital nephrotic syndrome. Last evaluated: 2016-11-08. Review status: no assertion criteria provided. Collection method: clinical testing. Allele origin: unknown. Not counted in ClinVar's aggregate classification.